The following is an entry in ClinVar:

NM_001282933.2(ZNF341):c.365C>T (p.Pro122Leu)

Gene: ZNF341 (zinc finger protein 341; plus strand). Cytogenetic location: 20q11.22.
Variant type: single nucleotide variant.
Coding change: c.365C>T on transcript NM_001282933.2 (MANE Select); coding-DNA position 365, C replaced by T.
Protein change: p.Pro122Leu; replaces proline 122 with leucine.
Molecular consequence: missense variant. On other transcripts: non-coding transcript variant (1).
Genome position (GRCh38, 1-based): chr20:33,748,948, C>T. VCF-style: chr20-33748948-C-T. GRCh37 (hg19) VCF-style: chr20-32336754-C-T.
Other names: c.95C>T, p.Pro32Leu (NM_001282935.2); c.365C>T, p.Pro122Leu (NM_032819.5); short protein forms P32L, P122L.
Identifiers: ClinVar variation 2112354 (VCV002112354.4), dbSNP rs1236318723, ClinGen allele CA408646716.

ClinVar aggregate classification (germline): Uncertain significance (1 of 4 stars; one submission).

Allele frequency attached by ClinVar (database versions not stated): gnomAD 0.00001; TOPMed 0.00001.
gnomAD v4.1: 4 of 1,613,862 alleles (0.00025%); highest among the groups gnomAD compares: East Asian, 0.0022%; no homozygotes.

Submission:

Labcorp Genetics (formerly Invitae), Labcorp
Classification: Uncertain significance. Last evaluated: 2022-09-07. Review status: criteria provided, single submitter. Criteria: Invitae Variant Classification Sherloc (09022015). Collection method: clinical testing. Allele origin: germline.
Comment: This sequence change replaces proline, which is neutral and non-polar, with leucine, which is neutral and non-polar, at codon 122 of the ZNF341 protein (p.Pro122Leu). This variant is present in population databases (no rsID available, gnomAD 0.006%). This variant has not been reported in the literature in individuals affected with ZNF341-related conditions. Algorithms developed to predict the effect of missense changes on protein structure and function (SIFT, PolyPhen-2, Align-GVGD) all suggest that this variant is likely to be disruptive. In summary, the available evidence is currently insufficient to determine the role of this variant in disease. Therefore, it has been classified as a Variant of Uncertain Significance.